The following is an entry in ClinVar:

ClinVar aggregate classification (germline): Uncertain significance (1 of 4 stars; one submission).

Conditions:
Early-infantile DEE. Also called: Early infantile epileptic encephalopathy; Early infantile epileptic encephalopathy with suppression bursts; Ohtahara syndrome. Identifiers: Orphanet 1934, MedGen C0393706, MONDO:0800491.

gnomAD v4.1: 1 of 1,594,770 alleles (0.000063%); no homozygotes.

Submission:

Labcorp Genetics (formerly Invitae), Labcorp
Classification: Uncertain significance for Early-infantile DEE. Last evaluated: 2024-03-19. Review status: criteria provided, single submitter. Criteria: Invitae Variant Classification Sherloc (09022015). Collection method: clinical testing. Allele origin: germline.
Comment: This sequence change replaces valine, which is neutral and non-polar, with isoleucine, which is neutral and non-polar, at codon 437 of the KCNQ2 protein (p.Val437Ile). This variant is present in population databases (rs768000134, gnomAD 0.007%). This variant has not been reported in the literature in individuals affected with KCNQ2-related conditions. An algorithm developed to predict the effect of missense changes on protein structure and function (PolyPhen-2) suggests that this variant is likely to be tolerated. In summary, the available evidence is currently insufficient to determine the role of this variant in disease. Therefore, it has been classified as a Variant of Uncertain Significance.

NM_172107.4(KCNQ2):c.1309G>A (p.Val437Ile)

Gene: KCNQ2 (potassium voltage-gated channel subfamily Q member 2; minus strand). Cytogenetic location: 20q13.33.
Variant type: single nucleotide variant.
Coding change: c.1309G>A on transcript NM_172107.4 (MANE Select); coding-DNA position 1309, G replaced by A.
Protein change: p.Val437Ile; replaces valine 437 with isoleucine.
Molecular consequence: missense variant. On other transcripts: intron variant (1).
Genome position (GRCh38, 1-based): chr20:63,415,119, C>T on the plus strand (G>A on the coding strand, the complement: KCNQ2 is on the minus strand). VCF-style: chr20-63415119-C-T. GRCh37 (hg19) VCF-style: chr20-62046472-C-T.
Other names: c.1255G>A, p.Val419Ile (NM_001382235.1, NM_172106.3); c.1225G>A, p.Val409Ile (NM_004518.6); c.1248-29G>A (NM_172108.5); short protein forms V409I, V419I, V437I.
Identifiers: ClinVar variation 3706319 (VCV003706319.2).